The following is an entry in ClinVar:

NM_012301.4(MAGI2):c.1104-3del

Gene: MAGI2 (membrane associated guanylate kinase, WW and PDZ domain containing 2; minus strand). Cytogenetic location: 7q21.11.
Variant type: Deletion.
Coding change: c.1104-3del on transcript NM_012301.4 (MANE Select); 3 bases into the intron before coding-DNA position 1104, one base deleted (T; older notation c.1104-3delT).
Molecular consequence: intron variant.
Genome position (GRCh38, 1-based): chr7:78,346,046, A deleted on the plus strand (T on the coding strand, the reverse complement: MAGI2 is on the minus strand); the first of 6 consecutive A bases (chr7:78,346,046-78,346,051); deleting any one gives the same sequence. VCF-style (leftmost placement, unchanged base first): chr7-78346045-TA-T. GRCh37 (hg19) VCF-style: chr7-77975362-TA-T.
Other names: c.1104-3del (NM_001301128.2).
Identifiers: ClinVar variation 2499045 (VCV002499045.28), dbSNP rs769498385, ClinGen allele CA4314076.

ClinVar aggregate classification (germline): Uncertain significance (1 of 4 stars; one submission).

Submission:

CeGaT Center for Human Genetics Tuebingen
Classification: Uncertain significance. Last evaluated: 2023-01-01. Review status: criteria provided, single submitter. Criteria: CeGaT Center For Human Genetics Tuebingen Variant Classification Criteria Version 2. Collection method: clinical testing. Allele origin: germline. Affected: yes. Observed: 1 variant allele.
Comment: MAGI2: PM2, BP4